The following is an entry in ClinVar:

NM_153460.4(IL17RC):c.119G>A (p.Arg40His)

Gene: IL17RC (interleukin 17 receptor C; plus strand). Cytogenetic location: 3p25.3.
Variant type: single nucleotide variant.
Coding change: c.119G>A on transcript NM_153460.4 (MANE Select); coding-DNA position 119, G replaced by A.
Protein change: p.Arg40His; replaces arginine 40 with histidine.
Molecular consequence: missense variant. On other transcripts: non-coding transcript variant (1).
Genome position (GRCh38, 1-based): chr3:9,917,726, G>A. VCF-style: chr3-9917726-G-A. GRCh37 (hg19) VCF-style: chr3-9959410-G-A.
Other names: p.Arg111His; c.119G>A, p.Arg40His (NM_001203263.2, NM_001203264.2, NM_001203265.2 and 4 more transcripts); c.332G>A, p.Arg111His (NM_153461.4); short protein forms R111H, R40H.
Identifiers: ClinVar variation 475928 (VCV000475928.14), dbSNP rs75324888, ClinGen allele CA2246717.

ClinVar aggregate classification (germline): Benign. Review status: criteria provided, multiple submitters, no conflicts (2 of 4 stars). 4 submissions from 4 submitters: Benign (3). 1 of the submissions does not count toward it. Last evaluated 2026-02-01.

Conditions:
Candidiasis, familial, 9 (CANDF9). Identifiers: Orphanet 1334, MedGen C4225324, MONDO:0014642, OMIM 616445.
IL17RC-related disorder. Also called: IL17RC-related condition.

Allele frequency attached by ClinVar (database versions not stated): gnomAD exomes 0.00375 and 0.01022; ExAC 0.01241; 1000 Genomes Project 0.03654; gnomAD 0.03668 and 0.03978; 1000 Genomes Project 30x 0.03701; ESP Exome Variant Server 0.04144; TOPMed 0.04193.
gnomAD v4.1: 11,379 of 1,613,660 alleles (0.71%); highest among the groups gnomAD compares: African/African-American, 13%; 678 homozygotes.

Submissions (4):

Labcorp Genetics (formerly Invitae), Labcorp
Classification: Benign for Candidiasis, familial, 9. Last evaluated: 2026-02-01. Review status: criteria provided, single submitter. Criteria: Invitae Variant Classification Sherloc (09022015). Collection method: clinical testing. Allele origin: germline.

Mayo Clinic Laboratories, Mayo Clinic
Classification: Benign. Last evaluated: 2024-10-10. Review status: criteria provided, single submitter. Criteria: ACMG Guidelines, 2015. Collection method: clinical testing. Allele origin: germline. Observed: 3 variant alleles.

Breakthrough Genomics
Classification: Benign. Review status: criteria provided, single submitter. Criteria: ACMG Guidelines, 2015. Collection method: not provided. Allele origin: germline. Inheritance: Autosomal recessive inheritance. Affected: yes.

PreventionGenetics, part of Exact Sciences
Classification: Benign for IL17RC-related condition. Last evaluated: 2019-07-08. Review status: no assertion criteria provided. Collection method: clinical testing. Allele origin: germline. Not counted in ClinVar's aggregate classification.
Comment: This variant is classified as benign based on ACMG/AMP sequence variant interpretation guidelines (Richards et al. 2015 PMID: 25741868, with internal and published modifications).